The following is an entry in ClinVar:

NM_207037.2(TCF12):c.320T>C (p.Leu107Pro)

Gene: TCF12 (transcription factor 12; plus strand). Cytogenetic location: 15q21.3.
Variant type: single nucleotide variant.
Coding change: c.320T>C on transcript NM_207037.2 (MANE Select); coding-DNA position 320, T replaced by C.
Protein change: p.Leu107Pro; replaces leucine 107 with proline.
Molecular consequence: missense variant. On other transcripts: 5 prime UTR variant (1).
Genome position (GRCh38, 1-based): chr15:57,091,886, T>C. VCF-style: chr15-57091886-T-C. GRCh37 (hg19) VCF-style: chr15-57384084-T-C.
Other names: c.320T>C, p.Leu107Pro (NM_001322151.2, NM_001322152.2, NM_001322157.3 and 7 more transcripts); c.-333T>C (NM_001322154.2); c.146T>C, p.Leu49Pro (NM_001322156.2, NM_001322158.2); c.356T>C, p.Leu119Pro (NM_001322164.2); short protein forms L107P, L119P, L49P.
Identifiers: ClinVar variation 3612086 (VCV003612086.2).

ClinVar aggregate classification (germline): Uncertain significance (1 of 4 stars; one submission).

gnomAD v4.1: 1 of 1,613,132 alleles (0.000062%); highest among the groups gnomAD compares: Non-Finnish European, 0.000085%; no homozygotes.

Submission:

Labcorp Genetics (formerly Invitae), Labcorp
Classification: Uncertain significance. Last evaluated: 2024-02-17. Review status: criteria provided, single submitter. Criteria: Invitae Variant Classification Sherloc (09022015). Collection method: clinical testing. Allele origin: germline.
Comment: This sequence change replaces leucine, which is neutral and non-polar, with proline, which is neutral and non-polar, at codon 107 of the TCF12 protein (p.Leu107Pro). This variant is not present in population databases (gnomAD no frequency). This variant has not been reported in the literature in individuals affected with TCF12-related conditions. Advanced modeling of protein sequence and biophysical properties (such as structural, functional, and spatial information, amino acid conservation, physicochemical variation, residue mobility, and thermodynamic stability) performed at Invitae indicates that this missense variant is not expected to disrupt TCF12 protein function with a negative predictive value of 80%. In summary, the available evidence is currently insufficient to determine the role of this variant in disease. Therefore, it has been classified as a Variant of Uncertain Significance.